The following is an entry in ClinVar:

ClinVar aggregate classification (germline): Benign/Likely benign. Review status: criteria provided, multiple submitters, no conflicts (2 of 4 stars). 3 submissions from 3 submitters: Benign (1); Likely benign (2). Last evaluated 2024-07-18.

Conditions:
Hereditary cancer-predisposing syndrome. Also called: Neoplastic Syndromes, Hereditary; Hereditary Cancer Syndrome; Tumor predisposition; Hereditary neoplastic syndrome. Identifiers: Orphanet 140162, MedGen C0027672, MeSH D009386, MONDO:0015356.
Familial cancer of breast. Also called: BREAST CANCER, FAMILIAL; hereditary breast carcinoma; Hereditary breast cancer. Identifiers: Orphanet 227535, MedGen C0346153, MONDO:0016419, OMIM 114480. Disease mechanism: loss of function.

Submissions (3):

Myriad Genetics, Inc.
Classification: Benign for Familial cancer of breast. Last evaluated: 2024-07-18. Review status: criteria provided, single submitter. Criteria: Myriad Autosomal Dominant, Autosomal Recessive and X-Linked Classification Criteria (2023). Collection method: clinical testing. Allele origin: unknown.
Comment: This variant is considered benign. This variant is a silent/synonymous amino acid change and it is not expected to impact splicing.

Labcorp Genetics (formerly Invitae), Labcorp
Classification: Likely benign for Familial cancer of breast. Last evaluated: 2018-10-04. Review status: criteria provided, single submitter. Criteria: Invitae Variant Classification Sherloc (09022015). Collection method: clinical testing. Allele origin: germline.

Ambry Genetics
Classification: Likely benign for Hereditary cancer-predisposing syndrome. Last evaluated: 2018-08-22. Review status: criteria provided, single submitter. Criteria: Ambry Variant Classification Scheme 2023. Collection method: clinical testing. Allele origin: germline.

NM_000465.4(BARD1):c.120G>T (p.Ala40=)

Gene: BARD1 (BRCA1 associated RING domain 1; minus strand). Cytogenetic location: 2q35.
Variant type: single nucleotide variant.
Coding change: c.120G>T on transcript NM_000465.4 (MANE Select); coding-DNA position 120, G replaced by T.
Protein change: p.Ala40=; no amino-acid change (alanine 40 retained).
Molecular consequence: synonymous variant. On other transcripts: non-coding transcript variant (3).
Genome position (GRCh38, 1-based): chr2:214,809,450, C>A on the plus strand (G>T on the coding strand, the complement: BARD1 is on the minus strand). VCF-style: chr2-214809450-C-A. GRCh37 (hg19) VCF-style: chr2-215674174-C-A.
Other names: c.120G>T, p.Ala40= (NM_001282543.2, NM_001282545.2, NM_001282548.2 and 1 more transcripts).
Identifiers: ClinVar variation 739393 (VCV000739393.15), dbSNP rs1559454255, ClinGen allele CA350464943.
Genomic context (GRCh38, chr2:214,809,450, plus strand): 5'-CCCCAAGAAGCTCCGTCTTTACCAACGCGAGCAGCGCAGCAGCTTCTCCAGGCGGTCGAG[C>A]GCGGCGCGACTGTGGGCCCAGGCACCGCGACCATCCGGTTCCATGGCGGGCGCGGAACGA-3'
Protein context (NP_000456.2, residues 30-50): GRGAWAHSRA[Ala40=]LDRLEKLLRC